The following is an entry in ClinVar:

ClinVar aggregate classification (germline): Uncertain significance (1 of 4 stars; one submission).

Conditions:
Hereditary cancer-predisposing syndrome. Also called: Neoplastic Syndromes, Hereditary; Tumor predisposition; Hereditary neoplastic syndrome; Hereditary Cancer Syndrome. Identifiers: Orphanet 140162, MedGen C0027672, MeSH D009386, MONDO:0015356.

Submission:

Ambry Genetics
Classification: Uncertain significance for Hereditary cancer-predisposing syndrome. Last evaluated: 2025-05-14. Review status: criteria provided, single submitter. Criteria: Ambry Variant Classification Scheme 2023. Collection method: clinical testing. Allele origin: germline.
Comment: The c.4275G>C variant (also known as p.L1425L), located in coding exon 29 of the ALK gene, results from a G to C substitution at nucleotide position 4275. This nucleotide substitution does not change the leucine at codon 1425. This nucleotide position is not well conserved in available vertebrate species. In silico splice site analysis for this alteration is inconclusive. Based on the available evidence, the clinical significance of this variant remains unclear.

NM_004304.5(ALK):c.4275G>C (p.Leu1425=)

Gene: ALK (ALK receptor tyrosine kinase; minus strand). Cytogenetic location: 2p23.2.
Variant type: single nucleotide variant.
Coding change: c.4275G>C on transcript NM_004304.5 (MANE Select); coding-DNA position 4275, G replaced by C.
Protein change: p.Leu1425=; no amino-acid change (leucine 1425 retained).
Molecular consequence: synonymous variant.
Genome position (GRCh38, 1-based): chr2:29,193,812, C>G on the plus strand (G>C on the coding strand, the complement: ALK is on the minus strand). VCF-style: chr2-29193812-C-G. GRCh37 (hg19) VCF-style: chr2-29416678-C-G.
Other names: c.1071G>C, p.Leu357= (NM_001353765.2).
Identifiers: ClinVar variation 4040689 (VCV004040689.1).
Genomic context (GRCh38, chr2:29,193,812, plus strand): 5'-AGGCAGAGGTGGTGGGGCAGCTGGGCTGCGCTCCTCCTCCCGTTTTGCCTGTTGAGAGAC[C>G]AGGAGAGGAGGAACCCCCTCAGGGTCCTTGGGCCTCACAGGCACTTTCTCTTCCTCTTCC-3'
Protein context (NP_004295.2, residues 1415-1435): PKDPEGVPPL[Leu1425=]VSQQAKREEE